The following is an entry in ClinVar:

NM_001684.5(ATP2B4):c.5C>T (p.Thr2Met)

Gene: ATP2B4 (ATPase plasma membrane Ca2+ transporting 4; plus strand). Cytogenetic location: 1q32.1.
Variant type: single nucleotide variant.
Coding change: c.5C>T on transcript NM_001684.5 (MANE Select); coding-DNA position 5, C replaced by T.
Protein change: p.Thr2Met; replaces threonine 2 with methionine.
Molecular consequence: missense variant.
Genome position (GRCh38, 1-based): chr1:203,683,210, C>T. VCF-style: chr1-203683210-C-T. GRCh37 (hg19) VCF-style: chr1-203652338-C-T.
Other names: c.5C>T (NM_001001396.2); c.5C>T, p.Thr2Met (NM_001001396.3, NM_001365783.2, NM_001365784.2); short protein forms T2M.
Identifiers: ClinVar variation 1626186 (VCV001626186.10), dbSNP rs140289832, ClinGen allele CA1341275.

ClinVar aggregate classification (germline): Benign. Review status: criteria provided, single submitter (1 of 4 stars). 2 submissions from 2 submitters: Benign (1). 1 of the submissions does not count toward it. Last evaluated 2026-01-12.

Conditions:
ATP2B4-related disorder. Also called: ATP2B4-related condition.

Allele frequency attached by ClinVar (database versions not stated): gnomAD 0.00049 and 0.00053; 1000 Genomes Project 0.00060; 1000 Genomes Project 30x 0.00062; ExAC 0.00069; ESP Exome Variant Server 0.00077.
gnomAD v4.1: 763 of 1,613,070 alleles (0.047%); highest among the groups gnomAD compares: Admixed American, 0.12%; 6 homozygotes.

Submissions (2):

Labcorp Genetics (formerly Invitae), Labcorp
Classification: Benign. Last evaluated: 2026-01-12. Review status: criteria provided, single submitter. Criteria: Invitae Variant Classification Sherloc (09022015). Collection method: clinical testing. Allele origin: germline.

PreventionGenetics, part of Exact Sciences
Classification: Benign for ATP2B4-related condition. Last evaluated: 2019-07-15. Review status: no assertion criteria provided. Collection method: clinical testing. Allele origin: germline. Not counted in ClinVar's aggregate classification.
Comment: This variant is classified as benign based on ACMG/AMP sequence variant interpretation guidelines (Richards et al. 2015 PMID: 25741868, with internal and published modifications).